The following is an entry in ClinVar:

ClinVar aggregate classification (germline): Uncertain significance (1 of 4 stars; one submission).

Conditions:
Cardiovascular phenotype. Identifiers: MedGen CN230736.

Submission:

Ambry Genetics
Classification: Uncertain significance for Cardiovascular phenotype. Last evaluated: 2018-04-10. Review status: criteria provided, single submitter. Criteria: Ambry Variant Classification Scheme 2023. Collection method: clinical testing. Allele origin: germline.
Comment: The c.104-3C>T intronic variant results from a C to T substitution 3 nucleotides upstream from coding exon 2 in the TXNRD2 gene. This nucleotide position is highly conserved in available vertebrate species. This alteration is predicted to decrease the efficiency of the native splice acceptor site by the ESEfinder and Human Splicing Finder (HSF) in silico models; however experimental evidence is not currently available (Desmet FO et al. Nucleic Acids Res. 2009;37:e67). Since supporting evidence is limited at this time, the clinical significance of this alteration remains unclear.

NM_006440.5(TXNRD2):c.104-3C>T

Gene: TXNRD2 (thioredoxin reductase 2; minus strand). Cytogenetic location: 22q11.21.
Variant type: single nucleotide variant.
Coding change: c.104-3C>T on transcript NM_006440.5 (MANE Select); 3 bases into the intron before coding-DNA position 104, C replaced by T.
Molecular consequence: intron variant.
Genome position (GRCh38, 1-based): chr22:19,931,101, G>A on the plus strand (C>T on the coding strand, the complement: TXNRD2 is on the minus strand). VCF-style: chr22-19931101-G-A. GRCh37 (hg19) VCF-style: chr22-19918624-G-A.
Other names: c.104-6C>T (NM_001352300.2); c.-185-3C>T (NM_001352302.2); c.14-3C>T (NM_001352301.2); c.104-3C>T (NM_001282512.3); c.8-3C>T (NM_001352303.2).
Identifiers: ClinVar variation 1774723 (VCV001774723.2), dbSNP rs746380381, ClinGen allele CA2580099123.